The following is an entry in ClinVar:

ClinVar aggregate classification (germline): Uncertain significance (1 of 4 stars; one submission).

Conditions:
Inborn genetic diseases. Identifiers: MedGen C0950123, MeSH D030342.

Submission:

Ambry Genetics
Classification: Uncertain significance for Inborn genetic diseases. Last evaluated: 2026-03-12. Review status: criteria provided, single submitter. Criteria: Ambry Variant Classification Scheme 2023. Collection method: clinical testing. Allele origin: germline.
Comment: The p.M446T variant (also known as c.1337T>C), located in coding exon 12 of the AKT1 gene, results from a T to C substitution at nucleotide position 1337. The methionine at codon 446 is replaced by threonine, an amino acid with similar properties. This amino acid position is conserved. In addition, this alteration is predicted to be tolerated by in silico analysis. Based on the available evidence, the clinical significance of this variant remains unclear.

NM_001382430.1(AKT1):c.1337T>C (p.Met446Thr)

Gene: AKT1 (AKT serine/threonine kinase 1; minus strand). Cytogenetic location: 14q32.33.
Variant type: single nucleotide variant.
Coding change: c.1337T>C on transcript NM_001382430.1 (MANE Select); coding-DNA position 1337, T replaced by C.
Protein change: p.Met446Thr; replaces methionine 446 with threonine.
Molecular consequence: missense variant.
Genome position (GRCh38, 1-based): chr14:104,770,771, A>G on the plus strand (T>C on the coding strand, the complement: AKT1 is on the minus strand). VCF-style: chr14-104770771-A-G. GRCh37 (hg19) VCF-style: chr14-105237108-A-G.
Other names: c.1337T>C, p.Met446Thr (NM_001014431.2, NM_001014432.2, NM_001382431.1 and 3 more transcripts); short protein forms M446T.
Identifiers: ClinVar variation 4827736 (VCV004827736.1).
Genomic context (GRCh38, chr14:104,770,771, plus strand): 5'-AGGGAGTGGGCGGGGGCAGGCAGTGGCCCCTCACCTTGGTCAGGTGGTGTGATGGTGATC[A>G]TCTGGGCCGTGAACTCCTCATCAAAATACCTGGTGTCAGTCTCCGACGTGACCTGGGGCT-3'
Protein context (NP_001369359.1, residues 436-456): RYFDEEFTAQ[Met446Thr]ITITPPDQDD